The following is an entry in ClinVar:

NM_033448.3(KRT71):c.445C>T (p.Arg149Trp)

Gene: KRT71 (keratin 71; minus strand). Cytogenetic location: 12q13.13.
Variant type: single nucleotide variant.
Coding change: c.445C>T on transcript NM_033448.3 (MANE Select); coding-DNA position 445, C replaced by T.
Protein change: p.Arg149Trp; replaces arginine 149 with tryptophan.
Molecular consequence: missense variant.
Genome position (GRCh38, 1-based): chr12:52,550,240, G>A on the plus strand (C>T on the coding strand, the complement: KRT71 is on the minus strand). VCF-style: chr12-52550240-G-A. GRCh37 (hg19) VCF-style: chr12-52944024-G-A.
Other names: short protein forms R149W.
Identifiers: ClinVar variation 4739806 (VCV004739806.1).
Genomic context (GRCh38, chr12:52,550,240, plus strand): 5'-CCAGCTGCTGCAGCAGCTCCCACTTGGTCTCCAGTACCTGGTTCTGCTGCTCCAGGAACC[G>A]CACCTGGAACCCAGATCCCAGAAACTGCTGAACCCTTGCAGTAATAGTCACACGTGTCTC-3'
Protein context (NP_258259.1, residues 139-159): NKFASFIDKV[Arg149Trp]FLEQQNQVLE

ClinVar aggregate classification (germline): Uncertain significance (1 of 4 stars; one submission).

gnomAD v4.1: 23 of 1,614,012 alleles (0.0014%); highest among the groups gnomAD compares: Admixed American, 0.0067%; no homozygotes.

Submission:

Labcorp Genetics (formerly Invitae), Labcorp
Classification: Uncertain significance. Last evaluated: 2025-10-28. Review status: criteria provided, single submitter. Criteria: Invitae Variant Classification Sherloc (09022015). Collection method: clinical testing. Allele origin: germline.
Comment: This sequence change replaces arginine, which is basic and polar, with tryptophan, which is neutral and slightly polar, at codon 149 of the KRT71 protein (p.Arg149Trp). This variant is present in population databases (rs779740913, gnomAD 0.01%). This variant has not been reported in the literature in individuals affected with KRT71-related conditions. Invitae Evidence Modeling of protein sequence and biophysical properties (such as structural, functional, and spatial information, amino acid conservation, physicochemical variation, residue mobility, and thermodynamic stability) indicates that this missense variant is not expected to disrupt KRT71 protein function with a negative predictive value of 80%. In summary, the available evidence is currently insufficient to determine the role of this variant in disease. Therefore, it has been classified as a Variant of Uncertain Significance.